The following is an entry in ClinVar:

NM_000186.4(CFH):c.3551C>G (p.Thr1184Arg)

Gene: CFH (complement factor H; plus strand). Cytogenetic location: 1q31.3.
Variant type: single nucleotide variant.
Coding change: c.3551C>G on transcript NM_000186.4 (MANE Select); coding-DNA position 3551, C replaced by G.
Protein change: p.Thr1184Arg; replaces threonine 1184 with arginine.
Molecular consequence: missense variant.
Genome position (GRCh38, 1-based): chr1:196,747,168, C>G. VCF-style: chr1-196747168-C-G. GRCh37 (hg19) VCF-style: chr1-196716298-C-G.
Other names: short protein forms T1184R.
Identifiers: ClinVar variation 4291605 (VCV004291605.1).

ClinVar aggregate classification (germline): Uncertain significance (1 of 4 stars; one submission).

Conditions:
Atypical hemolytic-uremic syndrome. Identifiers: Orphanet 2134, MedGen C2931788, MONDO:0016244.
Basal laminar drusen. Also called: DRUSEN OF BRUCH MEMBRANE; DRUSEN, CUTICULAR; DRUSEN, EARLY ADULT-ONSET, GROUPED. Identifiers: Orphanet 75376, MedGen C0730295, MONDO:0007472, OMIM 126700.
Factor H deficiency (CFHD). Also called: COMPLEMENT FACTOR H DEFICIENCY; CFH DEFICIENCY. Identifiers: Orphanet 200421, MedGen C0398777, MONDO:0012350, OMIM 609814.
Age related macular degeneration 4. Identifiers: MedGen C1853147, MONDO:0012540, OMIM 610698.

gnomAD v4.1: 1 of 1,613,784 alleles (0.000062%); highest among the groups gnomAD compares: African/African-American, 0.0013%; no homozygotes.

Submission:

Genomenon, Inc
Classification: Uncertain significance for Basal laminar drusen; Age related macular degeneration 4; Atypical hemolytic-uremic syndrome; Factor H deficiency. Last evaluated: 2025-10-02. Review status: criteria provided, single submitter. Criteria: Genomenon Sequence Variant Interpretation Standards - Updated. Collection method: curation. Allele origin: germline. Affected: no.
Comment: CFH p.Thr1184Arg (c.3551C>G) is a missense variant that changes the amino acid at residue 1184 from Threonine to Arginine. This variant has been reported in the published literature (PMID:11170896;19351878;32793201;27006390;19454698;26728463;34189567;25659429;29218045;24344133). It is absent or not present at a significant frequency in gnomAD. In conclusion, we classify CFH p.Thr1184Arg (c.3551C>G) as a variant of uncertain significance.

Literature cited by the submitters: PubMed 11170896; PubMed 19351878; PubMed 32793201; PubMed 27006390; PubMed 19454698; PubMed 26728463; PubMed 34189567; PubMed 25659429; PubMed 29218045; PubMed 24344133.